The following is an entry in ClinVar:

NM_005236.3(ERCC4):c.1633G>A (p.Gly545Arg)

Gene: ERCC4 (ERCC excision repair 4, endonuclease catalytic subunit; plus strand). Cytogenetic location: 16p13.12.
Variant type: single nucleotide variant.
Coding change: c.1633G>A on transcript NM_005236.3 (MANE Select); coding-DNA position 1633, G replaced by A.
Protein change: p.Gly545Arg; replaces glycine 545 with arginine.
Molecular consequence: missense variant.
Genome position (GRCh38, 1-based): chr16:13,935,565, G>A. VCF-style: chr16-13935565-G-A. GRCh37 (hg19) VCF-style: chr16-14029422-G-A.
Other names: short protein forms G545R.
Identifiers: ClinVar variation 541249 (VCV000541249.8), dbSNP rs773007457, ClinGen allele CA7910505.

ClinVar aggregate classification (germline): Uncertain significance. Review status: criteria provided, multiple submitters, no conflicts (2 of 4 stars). 2 submissions from 2 submitters: Uncertain significance (2). Last evaluated 2022-06-02.

Conditions:
Xeroderma pigmentosum, group F (XPF). Also called: XERODERMA PIGMENTOSUM VI; XP, GROUP F; XERODERMA PIGMENTOSUM, TYPE F; Xeroderma pigmentosum, type 6; XERODERMA PIGMENTOSUM, COMPLEMENTATION GROUP F; ERCC4-Related Xeroderma Pigmentosum. Identifiers: MedGen C0268140, MONDO:0010215, OMIM 278760.
Cockayne syndrome. Identifiers: Orphanet 191, MedGen C0009207, MONDO:0016006.
Fanconi anemia complementation group Q. Identifiers: Orphanet 84, MedGen C3808988, MONDO:0014108, OMIM 615272.
Xeroderma pigmentosum (XP). Identifiers: Orphanet 910, MedGen C0043346, MONDO:0019600.

Allele frequency attached by ClinVar (database versions not stated): ExAC 0.00001; TOPMed 0.00006; gnomAD 0.00013.
gnomAD v4.1: 31 of 1,613,990 alleles (0.0019%); highest among the groups gnomAD compares: African/African-American, 0.02%; no homozygotes.

Submissions (2):

Labcorp Genetics (formerly Invitae), Labcorp
Classification: Uncertain significance for Fanconi anemia complementation group Q; Xeroderma pigmentosum, group F; Cockayne syndrome. Last evaluated: 2022-06-02. Review status: criteria provided, single submitter. Criteria: Invitae Variant Classification Sherloc (09022015). Collection method: clinical testing. Allele origin: germline.
Comment: This variant has not been reported in the literature in individuals affected with ERCC4-related conditions. This sequence change replaces glycine, which is neutral and non-polar, with arginine, which is basic and polar, at codon 545 of the ERCC4 protein (p.Gly545Arg). This variant is present in population databases (rs773007457, gnomAD 0.02%). ClinVar contains an entry for this variant (Variation ID: 541249). Algorithms developed to predict the effect of missense changes on protein structure and function are either unavailable or do not agree on the potential impact of this missense change (SIFT: "Tolerated"; PolyPhen-2: "Probably Damaging"; Align-GVGD: "Class C0"). Algorithms developed to predict the effect of sequence changes on RNA splicing suggest that this variant may create or strengthen a splice site. In summary, the available evidence is currently insufficient to determine the role of this variant in disease. Therefore, it has been classified as a Variant of Uncertain Significance.

Sema4
Classification: Uncertain significance for Xeroderma pigmentosum. Last evaluated: 2022-01-04. Review status: criteria provided, single submitter. Criteria: Sema4 Curation Guidelines. Collection method: curation. Allele origin: germline.
Comment: The ERCC4 c.1633G>A (p.G545R) variant has not been reported in the literature to our knowledge. It was observed in 9/282760 chromosomes across the large and broad cohorts of the Genome Aggregation Database (PMID: 32461654). The variant has been reported in ClinVar (Variation ID 541249). Functional studies have not been performed, and in silico predictions of the variant's effect on protein function are inconclusive. The evidence is insufficient to meet ACMG/AMP criteria for classifying the variant as benign or pathogenic. Thus, the clinical significance of this variant is currently uncertain.